The following is an entry in ClinVar:

NM_012431.3(SEMA3E):c.1562T>C (p.Met521Thr)

Gene: SEMA3E (semaphorin 3E; minus strand). Cytogenetic location: 7q21.11.
Variant type: single nucleotide variant.
Coding change: c.1562T>C on transcript NM_012431.3 (MANE Select); coding-DNA position 1562, T replaced by C.
Protein change: p.Met521Thr; replaces methionine 521 with threonine.
Molecular consequence: missense variant.
Genome position (GRCh38, 1-based): chr7:83,392,660, A>G on the plus strand (T>C on the coding strand, the complement: SEMA3E is on the minus strand). VCF-style: chr7-83392660-A-G. GRCh37 (hg19) VCF-style: chr7-83021976-A-G.
Other names: c.1382T>C, p.Met461Thr (NM_001178129.2); short protein forms M461T, M521T.
Identifiers: ClinVar variation 4987393 (VCV004987393.1).
Genomic context (GRCh38, chr7:83,392,660, plus strand): 5'-CCATCCCAGGCACAGTAAGGGTCTCGAGCCAGGCAGCAGTCAGCACAAGCACTTCCATAC[A>G]TGTCACAGTGATGGAATCTGACTTGAGCCACAGCAGAAGCAGATCCAATATACAGCTGTT-3'
Protein context (NP_036563.1, residues 511-531): VAQVRFHHCD[Met521Thr]YGSACADCCL

ClinVar aggregate classification (germline): Uncertain significance (1 of 4 stars; one submission).

Conditions:
SEMA3E-related disorder. Also called: SEMA3E-related condition.

gnomAD v4.1: 8 of 1,613,656 alleles (0.0005%); highest among the groups gnomAD compares: African/African-American, 0.0067%; no homozygotes.

Submission:

PreventionGenetics, part of Exact Sciences
Classification: Uncertain significance for SEMA3E-related condition. Last evaluated: 2025-08-02. Review status: criteria provided, single submitter. Criteria: ACMG Guidelines, 2015. Collection method: clinical testing. Allele origin: germline.
Comment: The SEMA3E c.1562T>C variant is predicted to result in the amino acid substitution p.Met521Thr. To our knowledge, this variant has not been reported in the literature. This variant is reported in 0.0080% of alleles in individuals of African descent in gnomAD. At this time, the clinical significance of this variant is uncertain due to the absence of conclusive functional and genetic evidence.